The following is an entry in ClinVar:

ClinVar aggregate classification (germline): Uncertain significance (1 of 4 stars; one submission).

Submission:

GeneDx
Classification: Uncertain significance. Last evaluated: 2026-09-19. Review status: criteria provided, single submitter. Criteria: GeneDx Variant Classification Process June 2021. Collection method: clinical testing. Allele origin: germline.
Comment: Not observed at significant frequency in large population cohorts (gnomAD); In silico analysis supports that this missense variant has a deleterious effect on protein structure/function; Has not been previously published as pathogenic or benign to our knowledge

NM_001395002.1(MAP4K4):c.3905A>C (p.Gln1302Pro)

Gene: MAP4K4 (mitogen-activated protein kinase kinase kinase kinase 4; plus strand). Cytogenetic location: 2q11.2.
Variant type: single nucleotide variant.
Coding change: c.3905A>C on transcript NM_001395002.1 (MANE Select); coding-DNA position 3905, A replaced by C.
Protein change: p.Gln1302Pro; replaces glutamine 1302 with proline.
Molecular consequence: missense variant. On other transcripts: non-coding transcript variant (4).
Genome position (GRCh38, 1-based): chr2:101,887,911, A>C. VCF-style: chr2-101887911-A-C. GRCh37 (hg19) VCF-style: chr2-102504373-A-C.
Other names: c.3470A>C, p.Gln1157Pro (NM_001242559.2); c.3458A>C, p.Gln1153Pro (NM_001242560.2); c.3548A>C, p.Gln1183Pro (NM_001384476.1); c.3737A>C, p.Gln1246Pro (NM_001384477.1); c.3227A>C, p.Gln1076Pro (NM_001384478.1); c.3689A>C, p.Gln1230Pro (NM_001384481.1); c.3218A>C, p.Gln1073Pro (NM_001384482.1); c.3500A>C, p.Gln1167Pro (NM_001384483.1); and 40 more; short protein forms Q1076P, Q1083P, Q1107P, Q1140P, Q1144P, Q1153P, Q1176P, Q1182P.
Identifiers: ClinVar variation 3781067 (VCV003781067.2).
Genomic context (GRCh38, chr2:101,887,911, plus strand): 5'-ATGAAGATGAGGGGGTTTATGTAAACACATATGGAAGGATCACCAAGGATGTAGTTCTAC[A>C]GTGGGGAGAGATGCCTACATCAGTAGGTATGGAGAACTTGGGGAAAGGCAGCATTTGTGA-3'
Protein context (NP_001381931.1, residues 1292-1312): YGRITKDVVL[Gln1302Pro]WGEMPTSVAY